The following is an entry in ClinVar:

ClinVar aggregate classification (germline): Uncertain significance (1 of 4 stars; one submission).

Submission:

GeneDx
Classification: Uncertain significance. Last evaluated: 2025-02-03. Review status: criteria provided, single submitter. Criteria: GeneDx Variant Classification Process June 2021. Collection method: clinical testing. Allele origin: germline. Affected: yes.
Comment: Not observed at significant frequency in large population cohorts (gnomAD); In silico analysis indicates that this missense variant does not alter protein structure/function; Has not been previously published as pathogenic or benign to our knowledge

NM_001257180.2(SLC20A2):c.1281G>C (p.Arg427Ser)

Gene: SLC20A2 (solute carrier family 20 member 2; minus strand). Cytogenetic location: 8p11.21.
Variant type: single nucleotide variant.
Coding change: c.1281G>C on transcript NM_001257180.2 (MANE Select); coding-DNA position 1281, G replaced by C.
Protein change: p.Arg427Ser; replaces arginine 427 with serine.
Molecular consequence: missense variant.
Genome position (GRCh38, 1-based): chr8:42,437,231, C>G on the plus strand (G>C on the coding strand, the complement: SLC20A2 is on the minus strand). VCF-style: chr8-42437231-C-G. GRCh37 (hg19) VCF-style: chr8-42294749-C-G.
Other names: c.1281G>C, p.Arg427Ser (NM_001257181.2, NM_006749.5); short protein forms R427S.
Identifiers: ClinVar variation 4072600 (VCV004072600.1).
Genomic context (GRCh38, chr8:42,437,231, plus strand): 5'-CGCCTCGATCTCCGCCTCTGCCACCGCGTTACAGTAGCTCGAGTAGCTGTCGTAGCGCAG[C>G]CTCTTCTTGGAGTAGGACACGGTGTCGCCCACCAGCTTCTCACTGTCCTCTGGGGCCGAT-3'
Protein context (NP_001244109.1, residues 417-437): VGDTVSYSKK[Arg427Ser]LRYDSYSSYC